The following is an entry in ClinVar:

ClinVar aggregate classification (germline): Pathogenic (1 of 4 stars; one submission).

Allele frequency attached by ClinVar (database versions not stated): gnomAD 0.00001; gnomAD exomes 0.00001; TOPMed 0.00001.
gnomAD v4.1: 9 of 1,613,046 alleles (0.00056%); highest among the groups gnomAD compares: African/African-American, 0.0027%; no homozygotes.

Submission:

Labcorp Genetics (formerly Invitae), Labcorp
Classification: Pathogenic. Last evaluated: 2022-06-19. Review status: criteria provided, single submitter. Criteria: Invitae Variant Classification Sherloc (09022015). Collection method: clinical testing. Allele origin: germline.
Comment: This variant has not been reported in the literature in individuals affected with EIF2AK4-related conditions. For these reasons, this variant has been classified as Pathogenic. This variant is present in population databases (no rsID available, gnomAD 0.002%). This sequence change creates a premature translational stop signal (p.Ser1589*) in the EIF2AK4 gene. It is expected to result in an absent or disrupted protein product. Loss-of-function variants in EIF2AK4 are known to be pathogenic (PMID: 12215525, 24135949, 24292273, 24310610, 28972005, 29743074).

Literature cited by the submitters: PubMed 12215525; PubMed 24135949; PubMed 24292273; PubMed 24310610; PubMed 28972005; PubMed 29743074.

NM_001013703.4(EIF2AK4):c.4766C>A (p.Ser1589Ter)

Gene: EIF2AK4 (eukaryotic translation initiation factor 2 alpha kinase 4; plus strand). Cytogenetic location: 15q15.1.
Variant type: single nucleotide variant.
Coding change: c.4766C>A on transcript NM_001013703.4 (MANE Select); coding-DNA position 4766, C replaced by A.
Protein change: p.Ser1589Ter; replaces serine 1589 with a stop codon.
Molecular consequence: nonsense.
Genome position (GRCh38, 1-based): chr15:40,032,794, C>A. VCF-style: chr15-40032794-C-A. GRCh37 (hg19) VCF-style: chr15-40324995-C-A.
Other names: short protein forms S1589*.
Identifiers: ClinVar variation 1977811 (VCV001977811.5), dbSNP rs1484537659, ClinGen allele CA391683255.